The following is an entry in ClinVar:

ClinVar aggregate classification (germline): Uncertain significance (1 of 4 stars; one submission).

Conditions:
Autosomal recessive limb-girdle muscular dystrophy type 2T. Also called: Limb-girdle muscular dystrophy-dystroglycanopathy, type C14; MUSCULAR DYSTROPHY-DYSTROGLYCANOPATHY, LIMB-GIRDLE, GMPPB-RELATED; MUSCULAR DYSTROPHY, LIMB-GIRDLE, TYPE 2T; Muscular dystrophy-dystroglycanopathy (limb-girdle), type c, 14. Identifiers: Orphanet 363623, MedGen C4518000, MONDO:0014142, OMIM 615352.
Muscular dystrophy-dystroglycanopathy (congenital with impaired intellectual development), type B, 14. Also called: Congenital muscular dystrophy-dystroglycanopathy with mental retardation, type B14; MUSCULAR DYSTROPHY, CONGENITAL, GMPPB-RELATED; Muscular dystrophy-dystroglycanopathy (congenital with intellectual disability), type B14. Identifiers: MedGen C3809221, MONDO:0014141, OMIM 615351.
Muscular dystrophy-dystroglycanopathy (congenital with brain and eye anomalies), type A14. Also called: Congenital Muscular Dystrophy-Dystroglycanopathy with Brain and Eye Anomalies Type A 14; Congenital muscular dystrophy-dystroglycanopathy with brain and eye anomalies, type A14; WALKER-WARBURG SYNDROME OR MUSCLE-EYE-BRAIN DISEASE, GMPPB-RELATED; Muscular dystrophy-dystroglycanopathy (congenital with brain and eye anomalies), type a, 14. Identifiers: Orphanet 588, MedGen C3809216, MONDO:0014140, OMIM 615350.

Allele frequency attached by ClinVar (database versions not stated): gnomAD exomes below 0.00001.
gnomAD v4.1: 1 of 1,611,204 alleles (0.000062%); highest among the groups gnomAD compares: Non-Finnish European, 0.000085%; no homozygotes.

Submission:

Labcorp Genetics (formerly Invitae), Labcorp
Classification: Uncertain significance for Autosomal recessive limb-girdle muscular dystrophy type 2T; Muscular dystrophy-dystroglycanopathy (congenital with brain and eye anomalies), type A14; Muscular dystrophy-dystroglycanopathy (congenital with impaired intellectual development), type B, 14. Last evaluated: 2023-10-17. Review status: criteria provided, single submitter. Criteria: Invitae Variant Classification Sherloc (09022015). Collection method: clinical testing. Allele origin: germline.
Comment: This sequence change replaces isoleucine, which is neutral and non-polar, with threonine, which is neutral and polar, at codon 349 of the GMPPB protein (p.Ile349Thr). This variant is not present in population databases (gnomAD no frequency). This variant has not been reported in the literature in individuals affected with GMPPB-related conditions. An algorithm developed to predict the effect of missense changes on protein structure and function (PolyPhen-2) suggests that this variant is likely to be disruptive. In summary, the available evidence is currently insufficient to determine the role of this variant in disease. Therefore, it has been classified as a Variant of Uncertain Significance.

NM_021971.4(GMPPB):c.1046T>C (p.Ile349Thr)

Gene: GMPPB (GDP-mannose pyrophosphorylase B; minus strand). Cytogenetic location: 3p21.31.
Variant type: single nucleotide variant.
Coding change: c.1046T>C on transcript NM_021971.4 (MANE Select); coding-DNA position 1046, T replaced by C.
Protein change: p.Ile349Thr; replaces isoleucine 349 with threonine.
Molecular consequence: missense variant.
Genome position (GRCh38, 1-based): chr3:49,721,789, A>G on the plus strand (T>C on the coding strand, the complement: GMPPB is on the minus strand). VCF-style: chr3-49721789-A-G. GRCh37 (hg19) VCF-style: chr3-49759222-A-G.
Other names: c.1127T>C, p.Ile376Thr (NM_013334.4); short protein forms I376T, I349T.
Identifiers: ClinVar variation 2952767 (VCV002952767.3), dbSNP rs2544751402, ClinGen allele CA352825960.